The following is an entry in ClinVar:

ClinVar aggregate classification (germline): Uncertain significance (1 of 4 stars; one submission).

Conditions:
Norman-Roberts syndrome (LIS2). Also called: Lissencephaly 2 (Norman-Roberts type). Identifiers: Orphanet 89844, MedGen C0796089, MONDO:0009760, OMIM 257320.
Familial temporal lobe epilepsy 7. Identifiers: Orphanet 101046, MedGen C4225327, MONDO:0014639, OMIM 616436.

Submission:

Labcorp Genetics (formerly Invitae), Labcorp
Classification: Uncertain significance for Familial temporal lobe epilepsy 7; Norman-Roberts syndrome. Last evaluated: 2022-01-21. Review status: criteria provided, single submitter. Criteria: Invitae Variant Classification Sherloc (09022015). Collection method: clinical testing. Allele origin: germline.
Comment: In summary, the available evidence is currently insufficient to determine the role of this variant in disease. Therefore, it has been classified as a Variant of Uncertain Significance. Algorithms developed to predict the effect of missense changes on protein structure and function are either unavailable or do not agree on the potential impact of this missense change (SIFT: "Deleterious"; PolyPhen-2: "Benign"; Align-GVGD: "Class C0"). This variant has not been reported in the literature in individuals affected with RELN-related conditions. This variant is not present in population databases (gnomAD no frequency). This sequence change replaces glutamine, which is neutral and polar, with proline, which is neutral and non-polar, at codon 176 of the RELN protein (p.Gln176Pro).

NM_005045.4(RELN):c.527A>C (p.Gln176Pro)

Gene: RELN (reelin; minus strand). Cytogenetic location: 7q22.1.
Variant type: single nucleotide variant.
Coding change: c.527A>C on transcript NM_005045.4 (MANE Select); coding-DNA position 527, A replaced by C.
Protein change: p.Gln176Pro; replaces glutamine 176 with proline.
Molecular consequence: missense variant.
Genome position (GRCh38, 1-based): chr7:103,776,574, T>G on the plus strand (A>C on the coding strand, the complement: RELN is on the minus strand). VCF-style: chr7-103776574-T-G. GRCh37 (hg19) VCF-style: chr7-103417021-T-G.
Other names: c.527A>C, p.Gln176Pro (NM_173054.3); short protein forms Q176P.
Identifiers: ClinVar variation 1971420 (VCV001971420.5), dbSNP rs775701783, ClinGen allele CA368930511.